The following is an entry in ClinVar:

ClinVar aggregate classification (germline): Uncertain significance (1 of 4 stars; one submission).

Conditions:
DICER1-related tumor predisposition. Also called: DICER1 syndrome; DICER1-related pleuropulmonary blastoma cancer predisposition syndrome. Identifiers: Orphanet 284343, MedGen C3839822, MONDO:0100216.

Submission:

Labcorp Genetics (formerly Invitae), Labcorp
Classification: Uncertain significance for DICER1-related tumor predisposition. Last evaluated: 2020-10-05. Review status: criteria provided, single submitter. Criteria: Invitae Variant Classification Sherloc (09022015). Collection method: clinical testing. Allele origin: germline.
Comment: This sequence change replaces threonine with serine at codon 1074 of the DICER1 protein (p.Thr1074Ser). The threonine residue is highly conserved and there is a small physicochemical difference between threonine and serine. This variant is not present in population databases (ExAC no frequency). This variant has not been reported in the literature in individuals with DICER1-related conditions. Algorithms developed to predict the effect of missense changes on protein structure and function are either unavailable or do not agree on the potential impact of this missense change (SIFT: "Tolerated"; PolyPhen-2: "Possibly Damaging"; Align-GVGD: "Class C0"). In summary, the available evidence is currently insufficient to determine the role of this variant in disease. Therefore, it has been classified as a Variant of Uncertain Significance.

NM_177438.3(DICER1):c.3221C>G (p.Thr1074Ser)

Gene: DICER1 (dicer 1, ribonuclease III; minus strand). Cytogenetic location: 14q32.13.
Variant type: single nucleotide variant.
Coding change: c.3221C>G on transcript NM_177438.3 (MANE Select); coding-DNA position 3221, C replaced by G.
Protein change: p.Thr1074Ser; replaces threonine 1074 with serine.
Molecular consequence: missense variant.
Genome position (GRCh38, 1-based): chr14:95,105,119, G>C on the plus strand (C>G on the coding strand, the complement: DICER1 is on the minus strand). VCF-style: chr14-95105119-G-C. GRCh37 (hg19) VCF-style: chr14-95571456-G-C.
Other names: c.3221C>G, p.Thr1074Ser (NM_001271282.3, NM_001291628.2, NM_030621.4 and 1 more transcripts); short protein forms T1074S.
Identifiers: ClinVar variation 1035813 (VCV001035813.10), dbSNP rs1060503653, ClinGen allele CA390876455.